The following is an entry in ClinVar:

NM_001193375.3(NDUFA11):c.378C>T (p.Thr126=)

Gene: NDUFA11 (NADH:ubiquinone oxidoreductase subunit A11; minus strand). Cytogenetic location: 19p13.3.
Variant type: single nucleotide variant.
Coding change: c.378C>T on transcript NM_001193375.3; coding-DNA position 378, C replaced by T.
Protein change: p.Thr126=; no amino-acid change (threonine 126 retained).
Molecular consequence: synonymous variant.
Genome position (GRCh38, 1-based): chr19:5,893,226, G>A on the plus strand (C>T on the coding strand, the complement: NDUFA11 is on the minus strand). VCF-style: chr19-5893226-G-A. GRCh37 (hg19) VCF-style: chr19-5893237-G-A.
Identifiers: ClinVar variation 3054628 (VCV003054628.2), dbSNP rs1425327265, ClinGen allele CA505184736.
Genomic context (GRCh38, chr19:5,893,226, plus strand): 5'-GACCCAGAATCTCTGTACACAGTGGCTCATGCCTATAATCCCAGCACTCTGGGAGGCTGA[G>A]GTGTGAGGACTGCTCGAGGCCAGGAGTTTGAGACCAGCCTGCACAACACAGTGAGATCCT-3'

ClinVar aggregate classification (germline): Likely benign (0 of 4 stars; one submission).

Conditions:
NDUFA11-related disorder. Also called: NDUFA11-related condition.

Allele frequency attached by ClinVar (database versions not stated): TOPMed 0.00002; gnomAD 0.00003.

Submission:

PreventionGenetics, part of Exact Sciences
Classification: Likely benign for NDUFA11-related condition. Last evaluated: 2020-04-20. Review status: no assertion criteria provided. Collection method: clinical testing. Allele origin: germline.
Comment: This variant is classified as likely benign based on ACMG/AMP sequence variant interpretation guidelines (Richards et al. 2015 PMID: 25741868, with internal and published modifications).